The following is an entry in ClinVar:

NM_006206.6(PDGFRA):c.655G>C (p.Glu219Gln)

Gene: PDGFRA (platelet derived growth factor receptor alpha; plus strand). Cytogenetic location: 4q12.
Variant type: single nucleotide variant.
Coding change: c.655G>C on transcript NM_006206.6 (MANE Select); coding-DNA position 655, G replaced by C.
Protein change: p.Glu219Gln; replaces glutamic acid 219 with glutamine.
Molecular consequence: missense variant.
Genome position (GRCh38, 1-based): chr4:54,264,945, G>C. VCF-style: chr4-54264945-G-C. GRCh37 (hg19) VCF-style: chr4-55131112-G-C.
Other names: c.655G>C, p.Glu219Gln (NM_001347827.2, NM_001347829.2); c.730G>C, p.Glu244Gln (NM_001347828.2); c.694G>C, p.Glu232Gln (NM_001347830.2); short protein forms E219Q, E232Q, E244Q.
Identifiers: ClinVar variation 459117 (VCV000459117.11), dbSNP rs1230177198, ClinGen allele CA356890774.

ClinVar aggregate classification (germline): Uncertain significance. Review status: criteria provided, multiple submitters, no conflicts (2 of 4 stars). 2 submissions from 2 submitters: Uncertain significance (2). Last evaluated 2025-11-05.

Conditions:
Hereditary cancer-predisposing syndrome. Also called: Tumor predisposition; Hereditary neoplastic syndrome; Neoplastic Syndromes, Hereditary; Hereditary Cancer Syndrome. Identifiers: Orphanet 140162, MedGen C0027672, MeSH D009386, MONDO:0015356.
Gastrointestinal stromal tumor. Also called: Gastrointestinal stroma tumor; Gastrointestinal stromal tumor, somatic. Identifiers: Orphanet 44890, MedGen C0238198, MeSH D046152, MONDO:0011719, OMIM 606764, HP:0100723.

Allele frequency attached by ClinVar (database versions not stated): gnomAD exomes below 0.00001.

Submissions (2):

Ambry Genetics
Classification: Uncertain significance for Hereditary cancer-predisposing syndrome. Last evaluated: 2025-11-05. Review status: criteria provided, single submitter. Criteria: Ambry Variant Classification Scheme 2023. Collection method: clinical testing. Allele origin: germline.
Comment: The p.E219Q variant (also known as c.655G>C), located in coding exon 4 of the PDGFRA gene, results from a G to C substitution at nucleotide position 655. The glutamic acid at codon 219 is replaced by glutamine, an amino acid with highly similar properties. This amino acid position is conserved. In addition, this alteration is predicted to be tolerated by in silico analysis. Since supporting evidence is limited at this time, the clinical significance of this alteration remains unclear.

Labcorp Genetics (formerly Invitae), Labcorp
Classification: Uncertain significance for Gastrointestinal stromal tumor. Last evaluated: 2025-06-11. Review status: criteria provided, single submitter. Criteria: Invitae Variant Classification Sherloc (09022015). Collection method: clinical testing. Allele origin: germline.
Comment: This sequence change replaces glutamic acid, which is acidic and polar, with glutamine, which is neutral and polar, at codon 219 of the PDGFRA protein (p.Glu219Gln). This variant is present in population databases (no rsID available, gnomAD 0.006%). This variant has not been reported in the literature in individuals affected with PDGFRA-related conditions. ClinVar contains an entry for this variant (Variation ID: 459117). Invitae Evidence Modeling of protein sequence and biophysical properties (such as structural, functional, and spatial information, amino acid conservation, physicochemical variation, residue mobility, and thermodynamic stability) indicates that this missense variant is not expected to disrupt PDGFRA protein function with a negative predictive value of 80%. In summary, the available evidence is currently insufficient to determine the role of this variant in disease. Therefore, it has been classified as a Variant of Uncertain Significance.